The following is an entry in ClinVar:

ClinVar aggregate classification (germline): Likely benign (0 of 4 stars; one submission).

Conditions:
FRMD4A-related disorder. Also called: FRMD4A-related condition.

Allele frequency attached by ClinVar (database versions not stated): gnomAD exomes 0.00001; ExAC 0.00005; ESP Exome Variant Server 0.00015; gnomAD 0.00017.
gnomAD v4.1: 40 of 1,505,746 alleles (0.0027%); highest among the groups gnomAD compares: African/African-American, 0.051%; no homozygotes.

Submission:

PreventionGenetics, part of Exact Sciences
Classification: Likely benign for FRMD4A-related condition. Last evaluated: 2019-08-13. Review status: no assertion criteria provided. Collection method: clinical testing. Allele origin: germline.
Comment: This variant is classified as likely benign based on ACMG/AMP sequence variant interpretation guidelines (Richards et al. 2015 PMID: 25741868, with internal and published modifications).

NM_018027.5(FRMD4A):c.976-4C>G

Gene: FRMD4A (FERM domain containing 4A; minus strand). Cytogenetic location: 10p13.
Variant type: single nucleotide variant.
Coding change: c.976-4C>G on transcript NM_018027.5 (MANE Select); 4 bases into the intron before coding-DNA position 976, C replaced by G.
Molecular consequence: intron variant.
Genome position (GRCh38, 1-based): chr10:13,694,043, G>C on the plus strand (C>G on the coding strand, the complement: FRMD4A is on the minus strand). VCF-style: chr10-13694043-G-C. GRCh37 (hg19) VCF-style: chr10-13736043-G-C.
Other names: c.1024-4C>G (NM_001318336.2); c.1075-4C>G (NM_001318337.2); c.49-4C>G (NM_001318338.2).
Identifiers: ClinVar variation 3053224 (VCV003053224.2), dbSNP rs372163447, ClinGen allele CA5414540.